The following is an entry in ClinVar:

NM_007294.4(BRCA1):c.2322T>A (p.Gly774=)

Gene: BRCA1 (BRCA1 DNA repair associated; minus strand). Cytogenetic location: 17q21.31.
Variant type: single nucleotide variant.
Coding change: c.2322T>A on transcript NM_007294.4 (MANE Select); coding-DNA position 2322, T replaced by A.
Protein change: p.Gly774=; no amino-acid change (glycine 774 retained).
Molecular consequence: synonymous variant. On other transcripts: intron variant (137).
Genome position (GRCh38, 1-based): chr17:43,093,209, A>T on the plus strand (T>A on the coding strand, the complement: BRCA1 is on the minus strand). VCF-style: chr17-43093209-A-T. GRCh37 (hg19) VCF-style: chr17-41245226-A-T.
Other names: c.523+1535T>A (NM_001408501.1, NM_001408500.1, NM_001408497.1 and 3 more transcripts); c.646+1535T>A (NM_001408455.1, NM_001408466.1, NM_001408452.1 and 11 more transcripts); c.577+1535T>A (NM_001408513.1, NM_001408489.1, NM_001408479.1 and 9 more transcripts); c.520+1535T>A (NM_001408503.1, NM_001408505.1, NM_001408504.1); c.787+1535T>A (NM_001407973.1, NM_001408403.1, NM_001407983.1 and 17 more transcripts); c.404-2177T>A (NM_001408511.1); c.461-2177T>A (NM_001408507.1, NM_001408506.1); c.545-2177T>A (NM_001408495.1); and 41 more.
Identifiers: ClinVar variation 54534 (VCV000054534.4), dbSNP rs397508958, ClinGen allele CA001550.

ClinVar aggregate classification (germline): Likely benign (3 of 4 stars; one submission).

Conditions:
Breast-ovarian cancer, familial, susceptibility to, 1 (BROVCA1). Also called: OVARIAN CANCER, SUSCEPTIBILITY TO; BRCA1 Hereditary Breast and Ovarian Cancer. Identifiers: Orphanet 145, MedGen C2676676, MONDO:0011450, OMIM 604370. Disease mechanism: loss of function.

Submission:

Evidence-based Network for the Interpretation of Germline Mutant Alleles (ENIGMA)
Classification: Likely benign for Breast-ovarian cancer, familial, susceptibility to, 1. Last evaluated: 2017-06-29. Review status: reviewed by expert panel. Criteria: ENIGMA BRCA1/2 Classification Criteria (2017-06-29). Collection method: curation. Allele origin: germline.
Comment: Synonymous substitution variant, with low bioinformatic likelihood to result in a splicing aberration (Splicing prior probability 0.02).